The following is an entry in ClinVar:

ClinVar aggregate classification (germline): Conflicting classifications of pathogenicity. Review status: criteria provided, conflicting classifications (1 of 4 stars). 3 submissions from 3 submitters: Uncertain significance (2); Likely benign (1). Last evaluated 2025-08-11.

Conditions:
Cardiovascular phenotype. Identifiers: MedGen CN230736.
Catecholaminergic polymorphic ventricular tachycardia 1. Also called: RYR2-Related Catecholaminergic Polymorphic Ventricular Tachycardia; VENTRICULAR TACHYCARDIA, CATECHOLAMINERGIC POLYMORPHIC, 1, WITH OR WITHOUT ATRIAL DYSFUNCTION AND/OR DILATED CARDIOMYOPATHY; VENTRICULAR TACHYCARDIA, STRESS-INDUCED POLYMORPHIC 1. Identifiers: Orphanet 3286, MedGen C1631597, MONDO:0011484, OMIM 604772.

Allele frequency attached by ClinVar (database versions not stated): ExAC 0.00001; TOPMed 0.00001; ESP Exome Variant Server 0.00008.
gnomAD v4.1: 2 of 1,613,516 alleles (0.00012%); highest among the groups gnomAD compares: African/African-American, 0.0027%; no homozygotes.

Submissions (3):

Ambry Genetics
Classification: Uncertain significance for Cardiovascular phenotype. Last evaluated: 2025-08-11. Review status: criteria provided, single submitter. Criteria: Ambry Variant Classification Scheme 2023. Collection method: clinical testing. Allele origin: germline.
Comment: The p.P448A variant (also known as c.1342C>G), located in coding exon 15 of the RYR2 gene, results from a C to G substitution at nucleotide position 1342. The proline at codon 448 is replaced by alanine, an amino acid with highly similar properties. This amino acid position is highly conserved in available vertebrate species. In addition, this alteration is predicted to be deleterious by in silico analysis. Based on the available evidence, the clinical significance of this variant remains unclear.

Labcorp Genetics (formerly Invitae), Labcorp
Classification: Likely benign for Catecholaminergic polymorphic ventricular tachycardia 1. Last evaluated: 2025-08-09. Review status: criteria provided, single submitter. Criteria: Invitae Variant Classification Sherloc (09022015). Collection method: clinical testing. Allele origin: germline.

GeneDx
Classification: Uncertain significance. Last evaluated: 2023-09-22. Review status: criteria provided, single submitter. Criteria: GeneDx Variant Classification Process June 2021. Collection method: clinical testing. Allele origin: germline. Affected: yes.
Comment: Not observed at significant frequency in large population cohorts (gnomAD); In silico analysis supports that this missense variant has a deleterious effect on protein structure/function; Has not been previously published as pathogenic or benign to our knowledge

NM_001035.3(RYR2):c.1342C>G (p.Pro448Ala)

Gene: RYR2 (ryanodine receptor 2; plus strand). Cytogenetic location: 1q43.
Variant type: single nucleotide variant.
Coding change: c.1342C>G on transcript NM_001035.3 (MANE Select); coding-DNA position 1342, C replaced by G.
Protein change: p.Pro448Ala; replaces proline 448 with alanine.
Molecular consequence: missense variant.
Genome position (GRCh38, 1-based): chr1:237,454,440, C>G. VCF-style: chr1-237454440-C-G. GRCh37 (hg19) VCF-style: chr1-237617740-C-G.
Other names: p.P448A:CCT>GCT; c.1342C>G, p.Pro448Ala (LRG_402t1); short protein forms P448A.
Identifiers: ClinVar variation 201216 (VCV000201216.8), dbSNP rs369933531, ClinGen allele CA007906.